The following is an entry in ClinVar:

ClinVar aggregate classification (germline): Likely pathogenic (1 of 4 stars; one submission).

Conditions:
Glycogen storage disease, type V (GSD5). Also called: MCARDLE DISEASE; MUSCLE GLYCOGEN PHOSPHORYLASE DEFICIENCY; MYOPHOSPHORYLASE DEFICIENCY; PYGM DEFICIENCY; McArdle type glycogen storage disease. Identifiers: Orphanet 368, MedGen C0017924, MONDO:0009293, OMIM 232600.

Submission:

Natera, Inc.
Classification: Likely pathogenic for Glycogen storage disease V. Last evaluated: 2025-12-03. Review status: criteria provided, single submitter. Criteria: Natera Variant Classification Schema (03/2026). Collection method: clinical testing. Allele origin: germline.
Comment: The c.855+2T>C variant in PYGM is a canonical splice donor site variant predicted to affect pre-mRNA splicing, which may result in an abnormal transcript and altered protein product. This variant is expected to result in nonsense mediated decay, truncation, or a dysfunctional protein product. This variant is rare in the general population with a frequency below the threshold expected for the associated phenotype(s). Given the available evidence, this variant is classified as Likely Pathogenic.

NM_005609.4(PYGM):c.855+2T>C

Gene: PYGM (glycogen phosphorylase, muscle associated; minus strand). Cytogenetic location: 11q13.1.
Variant type: single nucleotide variant.
Coding change: c.855+2T>C on transcript NM_005609.4 (MANE Select); the canonical splice donor site of the intron after coding-DNA position 855, T replaced by C.
Molecular consequence: splice donor variant.
Genome position (GRCh38, 1-based): chr11:64,755,271, A>G on the plus strand (T>C on the coding strand, the complement: PYGM is on the minus strand). VCF-style: chr11-64755271-A-G. GRCh37 (hg19) VCF-style: chr11-64522743-A-G.
Other names: c.591+2T>C (NM_001164716.1).
Identifiers: ClinVar variation 4815441 (VCV004815441.1).